The following is an entry in ClinVar:

NM_002078.5(GOLGA4):c.6663G>A (p.Met2221Ile)

Gene: GOLGA4 (golgin A4; plus strand). Cytogenetic location: 3p22.2.
Variant type: single nucleotide variant.
Coding change: c.6663G>A on transcript NM_002078.5 (MANE Select); coding-DNA position 6663, G replaced by A.
Protein change: p.Met2221Ile; replaces methionine 2221 with isoleucine.
Molecular consequence: missense variant.
Genome position (GRCh38, 1-based): chr3:37,355,187, G>A. VCF-style: chr3-37355187-G-A. GRCh37 (hg19) VCF-style: chr3-37396678-G-A.
Other names: NC_000003.11:g.37396678G>A; c.6708G>A, p.Met2236Ile (NM_001172713.3); c.6729G>A, p.Met2243Ile (NM_001410721.2, NM_001429191.1); c.6624G>A, p.Met2208Ile (NM_001429202.1); c.6681G>A, p.Met2227Ile (NM_001429196.1, NM_001429198.1); c.6663G>A, p.Met2221Ile (NM_001429201.1); c.6780G>A, p.Met2260Ile (NM_001429190.1); c.6615G>A, p.Met2205Ile (NM_001429193.1); short protein forms M2221I, M2236I, M2243I, M2205I, M2208I, M2227I, M2260I.
Identifiers: ClinVar variation 3044956 (VCV003044956.3), dbSNP rs148417077, ClinGen allele CA2310110.

ClinVar aggregate classification (germline): Likely benign (0 of 4 stars; one submission).

Conditions:
GOLGA4-related disorder. Also called: GOLGA4-related condition.

Allele frequency attached by ClinVar (database versions not stated): 1000 Genomes Project 30x 0.00047; 1000 Genomes Project 0.00060; ESP Exome Variant Server 0.00131; gnomAD 0.00135; TOPMed 0.00145; ExAC 0.00154; gnomAD exomes 0.00190.
gnomAD v4.1: 2,795 of 1,529,916 alleles (0.18%); highest among the groups gnomAD compares: Middle Eastern, 0.32%; 9 homozygotes.

Submissions (8):

PreventionGenetics, part of Exact Sciences
Classification: Likely benign for GOLGA4-related condition. Last evaluated: 2022-06-08. Review status: no assertion criteria provided. Collection method: clinical testing. Allele origin: germline.
Comment: This variant is classified as likely benign based on ACMG/AMP sequence variant interpretation guidelines (Richards et al. 2015 PMID: 25741868, with internal and published modifications).

Dr. Peter K. Rogan Lab, Western University
No classification provided (evidence only). Condition: Familial cancer of breast. Review status: no classification provided. Collection method: in vitro. Allele origin: not applicable. Functional consequence: retained intron. Not counted in ClinVar's aggregate classification.

Dr. Peter K. Rogan Lab, Western University
No classification provided (evidence only). Condition: Colon adenocarcinoma. Review status: no classification provided. Collection method: in vitro. Allele origin: not applicable. Functional consequence: retained intron. Not counted in ClinVar's aggregate classification.

Dr. Peter K. Rogan Lab, Western University
No classification provided (evidence only). Condition: Thyroid cancer, nonmedullary, 1. Review status: no classification provided. Collection method: in vitro. Allele origin: not applicable. Functional consequence: retained intron. Not counted in ClinVar's aggregate classification.

Dr. Peter K. Rogan Lab, Western University
No classification provided (evidence only). Condition: Thymoma. Review status: no classification provided. Collection method: in vitro. Allele origin: not applicable. Functional consequence: retained intron. Not counted in ClinVar's aggregate classification.

Dr. Peter K. Rogan Lab, Western University
No classification provided (evidence only). Condition: Malignant tumor of esophagus. Review status: no classification provided. Collection method: in vitro. Allele origin: not applicable. Functional consequence: retained intron. Not counted in ClinVar's aggregate classification.

Dr. Peter K. Rogan Lab, Western University
No classification provided (evidence only). Condition: Nonpapillary renal cell carcinoma. Review status: no classification provided. Collection method: in vitro. Allele origin: not applicable. Functional consequence: retained intron. Not counted in ClinVar's aggregate classification.

Dr. Peter K. Rogan Lab, Western University
No classification provided (evidence only). Condition: Familial pancreatic carcinoma. Review status: no classification provided. Collection method: in vitro. Allele origin: not applicable. Functional consequence: retained intron. Not counted in ClinVar's aggregate classification.